The following is an entry in ClinVar:

NM_005359.6(SMAD4):c.469A>T (p.Met157Leu)

Gene: SMAD4 (SMAD family member 4; plus strand). Cytogenetic location: 18q21.2.
Variant type: single nucleotide variant.
Coding change: c.469A>T on transcript NM_005359.6 (MANE Select); coding-DNA position 469, A replaced by T.
Protein change: p.Met157Leu; replaces methionine 157 with leucine.
Molecular consequence: missense variant.
Genome position (GRCh38, 1-based): chr18:51,054,795, A>T. VCF-style: chr18-51054795-A-T. GRCh37 (hg19) VCF-style: chr18-48581165-A-T.
Other names: short protein forms M157L.
Identifiers: ClinVar variation 925619 (VCV000925619.11), dbSNP rs1443471590, ClinGen allele CA402460608.

ClinVar aggregate classification (germline): Conflicting classifications of pathogenicity. Review status: criteria provided, conflicting classifications (1 of 4 stars). 3 submissions from 3 submitters: Uncertain significance (2); Likely benign (1). Last evaluated 2025-12-24.

Conditions:
Hereditary cancer-predisposing syndrome. Also called: Hereditary Cancer Syndrome; Hereditary neoplastic syndrome; Neoplastic Syndromes, Hereditary; Tumor predisposition. Identifiers: Orphanet 140162, MedGen C0027672, MeSH D009386, MONDO:0015356.
Juvenile polyposis syndrome (JPS). Identifiers: Orphanet 2929, MedGen C0345893, MONDO:0017380, OMIM 174900.
Familial thoracic aortic aneurysm and aortic dissection (TAAD). Also called: Thoracic aortic aneurysms and dissections. Identifiers: Orphanet 91387, MedGen C4707243, MONDO:0019625.

Allele frequency attached by ClinVar (database versions not stated): TOPMed 0.00001.

Submissions (3):

Labcorp Genetics (formerly Invitae), Labcorp
Classification: Uncertain significance for Juvenile polyposis syndrome. Last evaluated: 2025-12-24. Review status: criteria provided, single submitter. Criteria: Invitae Variant Classification Sherloc (09022015). Collection method: clinical testing. Allele origin: germline.
Comment: This sequence change replaces methionine, which is neutral and non-polar, with leucine, which is neutral and non-polar, at codon 157 of the SMAD4 protein (p.Met157Leu). This variant is not present in population databases (gnomAD no frequency). This variant has not been reported in the literature in individuals affected with SMAD4-related conditions. ClinVar contains an entry for this variant (Variation ID: 925619). Invitae Evidence Modeling of protein sequence and biophysical properties (such as structural, functional, and spatial information, amino acid conservation, physicochemical variation, residue mobility, and thermodynamic stability) indicates that this missense variant is not expected to disrupt SMAD4 protein function with a negative predictive value of 95%. In summary, the available evidence is currently insufficient to determine the role of this variant in disease. Therefore, it has been classified as a Variant of Uncertain Significance.

Ambry Genetics
Classification: Likely benign for Hereditary cancer-predisposing syndrome; Familial thoracic aortic aneurysm and aortic dissection. Last evaluated: 2025-03-07. Review status: criteria provided, single submitter. Criteria: Ambry Variant Classification Scheme 2023. Collection method: clinical testing. Allele origin: germline.

Color Diagnostics, LLC DBA Color Health
Classification: Uncertain significance for Hereditary cancer-predisposing syndrome. Last evaluated: 2024-03-06. Review status: criteria provided, single submitter. Criteria: ACMG Guidelines, 2015. Collection method: clinical testing. Allele origin: germline.
Comment: This missense variant replaces methionine with leucine at codon 157 of the SMAD4 protein. Computational prediction suggests that this variant may not impact protein structure and function (internally defined REVEL score threshold <= 0.5, PMID: 27666373). To our knowledge, functional studies have not been reported for this variant. This variant has not been reported in individuals affected with SMAD4-related disorders in the literature. This variant has not been identified in the general population by the Genome Aggregation Database (gnomAD). The available evidence is insufficient to determine the role of this variant in disease conclusively. Therefore, this variant is classified as a Variant of Uncertain Significance.